The following is an entry in ClinVar:

ClinVar aggregate classification (germline): Uncertain significance (1 of 4 stars; one submission).

Submission:

GeneDx
Classification: Uncertain significance. Last evaluated: 2026-01-25. Review status: criteria provided, single submitter. Criteria: GeneDx Variant Classification Process June 2021. Collection method: clinical testing. Allele origin: germline.
Comment: Not observed at significant frequency in large population cohorts (gnomAD); In silico analysis supports that this missense variant has a deleterious effect on protein structure/function; Has not been previously published as pathogenic or benign to our knowledge

NM_007129.5(ZIC2):c.955A>C (p.Lys319Gln)

Gene: ZIC2 (Zic family zinc finger 2; plus strand). Cytogenetic location: 13q32.3.
Variant type: single nucleotide variant.
Coding change: c.955A>C on transcript NM_007129.5 (MANE Select); coding-DNA position 955, A replaced by C.
Protein change: p.Lys319Gln; replaces lysine 319 with glutamine.
Molecular consequence: missense variant.
Genome position (GRCh38, 1-based): chr13:99,983,019, A>C. VCF-style: chr13-99983019-A-C. GRCh37 (hg19) VCF-style: chr13-100635273-A-C.
Other names: short protein forms K319Q.
Identifiers: ClinVar variation 4975639 (VCV004975639.1).
Genomic context (GRCh38, chr13:99,983,019, plus strand): 5'-AACCACGTCTGCTTCTGGGAGGAGTGTCCGCGCGAGGGCAAGCCCTTCAAGGCCAAATAC[A>C]AACTGGTCAACCACATCCGCGTGCACACAGGCGAGAAACCCTTCCCCTGCCCCTTCCCGG-3'
Protein context (NP_009060.2, residues 309-329): REGKPFKAKY[Lys319Gln]LVNHIRVHTG